The following is an entry in ClinVar:

ClinVar aggregate classification (germline): Uncertain significance (1 of 4 stars; one submission).

Conditions:
Autosomal recessive ataxia, Beauce type. Also called: SYNE1-Related Autosomal Recessive Cerebellar Ataxia; Spinocerebellar ataxia, autosomal recessive 8; ATAXIA, RECESSIVE, OF BEAUCE; SYNE1 Deficiency. Identifiers: Orphanet 88644, MedGen C1853116, MONDO:0012549, OMIM 610743.
Emery-Dreifuss muscular dystrophy 4, autosomal dominant (EDMD4). Also called: EMERY-DREIFUSS MUSCULAR DYSTROPHY 4 WITH VARIABLE FEATURES. Identifiers: Orphanet 261, MedGen C2751807, MONDO:0013071, OMIM 612998.

gnomAD v4.1: 6 of 1,614,078 alleles (0.00037%); highest among the groups gnomAD compares: South Asian, 0.0011%; no homozygotes.

Submission:

Labcorp Genetics (formerly Invitae), Labcorp
Classification: Uncertain significance for Emery-Dreifuss muscular dystrophy 4, autosomal dominant; Autosomal recessive ataxia, Beauce type. Last evaluated: 2025-10-06. Review status: criteria provided, single submitter. Criteria: Invitae Variant Classification Sherloc (09022015). Collection method: clinical testing. Allele origin: germline.
Comment: This sequence change replaces aspartic acid, which is acidic and polar, with asparagine, which is neutral and polar, at codon 1163 of the SYNE1 protein (p.Asp1163Asn). This variant is not present in population databases (gnomAD no frequency). This variant has not been reported in the literature in individuals affected with SYNE1-related conditions. An algorithm developed to predict the effect of missense changes on protein structure and function outputs the following: PolyPhen-2: "Benign". The asparagine amino acid residue is found in multiple mammalian species, which suggests that this missense change does not adversely affect protein function. In summary, the available evidence is currently insufficient to determine the role of this variant in disease. Therefore, it has been classified as a Variant of Uncertain Significance.

NM_182961.4(SYNE1):c.3466G>A (p.Asp1156Asn)

Gene: SYNE1 (spectrin repeat containing nuclear envelope protein 1; minus strand). Cytogenetic location: 6q25.2.
Variant type: single nucleotide variant.
Coding change: c.3466G>A on transcript NM_182961.4 (MANE Select); coding-DNA position 3466, G replaced by A.
Protein change: p.Asp1156Asn; replaces aspartic acid 1156 with asparagine.
Molecular consequence: missense variant.
Genome position (GRCh38, 1-based): chr6:152,449,571, C>T on the plus strand (G>A on the coding strand, the complement: SYNE1 is on the minus strand). VCF-style: chr6-152449571-C-T. GRCh37 (hg19) VCF-style: chr6-152770706-C-T.
Other names: c.3487G>A, p.Asp1163Asn (NM_033071.5); short protein forms D1163N, D1156N.
Identifiers: ClinVar variation 4787769 (VCV004787769.1).
Genomic context (GRCh38, chr6:152,449,571, plus strand): 5'-CAAATAATGACCCTGAACTTACTTCAACGGCACGTTTAACCTCTCCGTGGTTGGCAGTAT[C>T]GATGGCCTCACCCTTGATCCCCTTTAATTGTGTCTCATTTGTAGATATCCAAGATGAGAA-3'
Protein context (NP_892006.3, residues 1146-1166): QLKGIKGEAI[Asp1156Asn]TANHGEVKRA